The following is an entry in ClinVar:

ClinVar aggregate classification (germline): Conflicting classifications of pathogenicity. Review status: criteria provided, conflicting classifications (1 of 4 stars). 13 submissions from 12 submitters: Uncertain significance (3); Likely benign (9). 1 of the submissions does not count toward it. Last evaluated 2026-08-01.

Conditions:
Blau syndrome (BLAUS). Also called: ARTHROCUTANEOUVEAL GRANULOMATOSIS; GRANULOMATOSIS, FAMILIAL JUVENILE SYSTEMIC; GRANULOMATOSIS, FAMILIAL, BLAU TYPE; GRANULOMATOUS INFLAMMATORY ARTHRITIS, DERMATITIS, AND UVEITIS, FAMILIAL; JABS SYNDROME. Identifiers: Orphanet 90340, MedGen C5201146, MONDO:0008523, OMIM 186580.
NOD2-related disorder. Also called: NOD2-related condition.
Autoinflammatory syndrome. Identifiers: Orphanet 93665, MedGen C3890737, MONDO:0019751.
Inflammatory bowel disease 1 (IBD1). Also called: Inflammatory bowel disease 1, Crohn disease; INFLAMMATORY BOWEL DISEASE (CROHN DISEASE) 1. Identifiers: MedGen CN260071, MONDO:0009960, OMIM 266600.
Yao syndrome. Also called: Susceptibility to Yao syndrome. Identifiers: MedGen C4310620, MONDO:0015019, OMIM 617321.
Psoriatic arthritis, susceptibility to. Identifiers: MedGen C1835223, MONDO:0100232, OMIM 607507.
Regional enteritis. Also called: Enteritis, Granulomatous. Identifiers: MedGen C0678202, MeSH D003424.

Allele frequency attached by ClinVar (database versions not stated): 1000 Genomes Project 0.00020; 1000 Genomes Project 30x 0.00031; ExAC 0.00232; gnomAD exomes 0.00245; TOPMed 0.00269; gnomAD 0.00277 and 0.00307; ESP Exome Variant Server 0.00323.
gnomAD v4.1: 5,612 of 1,613,954 alleles (0.35%); highest among the groups gnomAD compares: Non-Finnish European, 0.44%; 10 homozygotes.

Submissions (13):

CeGaT Center for Human Genetics Tuebingen
Classification: Likely benign. Last evaluated: 2026-08-01. Review status: criteria provided, single submitter. Criteria: CeGaT Center For Human Genetics Tuebingen Variant Classification Criteria Version 2. Collection method: clinical testing. Allele origin: germline. Affected: yes. Observed: 17 variant alleles.
Comment: NOD2: BP4, BS1

Labcorp Genetics (formerly Invitae), Labcorp
Classification: Likely benign for Regional enteritis; Blau syndrome. Last evaluated: 2026-02-02. Review status: criteria provided, single submitter. Criteria: Invitae Variant Classification Sherloc (09022015). Collection method: clinical testing. Allele origin: germline.

GeneDx
Classification: Uncertain significance. Last evaluated: 2025-12-18. Review status: criteria provided, single submitter. Criteria: GeneDx Variant Classification Process June 2021. Collection method: clinical testing. Allele origin: germline. Affected: yes.
Comment: In silico analysis supports that this missense variant has a deleterious effect on protein structure/function; This variant is associated with the following publications: (PMID: 22056582, 12115249, 32463623, 11385576, 28814775, 16485124, 20032092, 11875755, 16965521, 18640012, 28887115, 31760574, 28422189, 34440800, 34975878, 32222431, 33692434, 37080976, 25416713)

Women's Health and Genetics/Laboratory Corporation of America, LabCorp
Classification: Likely benign. Last evaluated: 2025-10-28. Review status: criteria provided, single submitter. Criteria: LabCorp Variant Classification Summary - May 2015. Collection method: clinical testing. Allele origin: germline.

Mayo Clinic Laboratories, Mayo Clinic
Classification: Likely benign. Last evaluated: 2025-07-28. Review status: criteria provided, single submitter. Criteria: ACMG Guidelines, 2015. Collection method: clinical testing. Allele origin: germline. Observed: 8 variant alleles.
Comment: BS1, BS2

ARUP Laboratories, Molecular Genetics and Genomics, ARUP Laboratories
Classification: Uncertain significance. Last evaluated: 2025-07-18. Review status: criteria provided, single submitter. Criteria: ARUP Molecular Germline Variant Investigation Process 2024. Collection method: clinical testing. Allele origin: germline.
Comment: The NOD2 c.2264C>T; p.Ala755Val variant (rs61747625, ClinVar Variation ID: 319462) is reported in the literature in one individual with a periodic fever syndrome, in one individual with an autoinflammatory disorder, in several individuals with Crohn's disease or ulcerative colitis (Andreoletti 2017, Batlle-Maso 2020, Burillo-Sanz 2017, Hugot 2001, Lesage 2002), and three individuals with Blau syndrome (Parackova 2020, Rose 2015). This variant is found in the non-Finnish European population with an allele frequency of 0.45% (579/128986 alleles including 1 homozygote) in the Genome Aggregation Database (v2.1.1). Computational analyses are uncertain whether this variant is neutral or deleterious (REVEL: 0.475). This variant has a population frequency incompatible with periodic fever disease and familial segregation study does not fully support its pathogenic role in Blau syndrome, although functional study indicates a gain-of-function of the p.Ala755Val variant (Parackova 2020). Another functional study in the context of Crohnâ€™s disease indicates that the variant protein cannot activate the pro-inflammatory response upon binding of a NOD2 bacterial ligand (Dixon 2025). Due to conflicting information, the clinical significance of the p.Ala755Val variant is uncertain at this time. REFERENCES Andreoletti G et al. Exome Analysis of Rare and Common Variants within the NOD Signaling Pathway. Sci Rep. 2017 Apr 19;7:46454. PMID: 28422189. Batlle-Maso L et al. Genetic diagnosis of autoinflammatory disease patients using clinical exome sequencing. Eur J Med Genet. 2020 May;63(5):103920. PMID: 32222431. Burillo-Sanz et al. Mutational profile of rare variants in inflammasome-related genes in Behcet disease: A Next Generation Sequencing approach. Sci Rep. 2017 Aug 16;7(1):8453. PMID: 28814775. Dixon CL et al. Attenuating ABHD17 Isoforms Augments the S-acylation and Function of NOD2 and a Subset of Crohn's Disease-associated NOD2 Variants. Cell Mol Gastroenterol Hepatol. 2025 Mar 5;19(6):101491. PMID: 40054525. Hugot et al. Association of NOD2 leucine-rich repeat variants with susceptibility to Crohn's disease. Nature. 2001 May 31;411(6837):599-603. PMID: 11385576. Lesage S et al. CARD15/NOD2 mutational analysis and genotype-phenotype correlation in 612 patients with inflammatory bowel disease. Am J Hum Genet. 2002 Apr;70(4):845-57. PMID: 11875755. Parackova Z et al. Mutual alteration of NOD2-associated Blau syndrome and IFN?R1 deficiency. J Clin Immunol. 2020 Jan;40(1):165-178. PMID: 31760574. Rose et al. Blau syndrome: cross-sectional data from a multicentre study of clinical, radiological and functional outcomes. Rheumatology (Oxford). 2015 Jun;54(6):1008-16. PMID: 25416713.

Blueprint Genetics
Classification: Likely benign. Last evaluated: 2024-11-26. Review status: criteria provided, single submitter. Criteria: ACMG Guidelines, 2015. Collection method: clinical testing. Allele origin: germline.

Genome Diagnostics Laboratory, The Hospital for Sick Children
Classification: Likely benign for Autoinflammatory syndrome. Last evaluated: 2020-05-01. Review status: criteria provided, single submitter. Criteria: ACMG Guidelines, 2015. Collection method: clinical testing. Allele origin: germline. Affected: yes.

Center for Pediatric Genomic Medicine, Children's Mercy Hospital and Clinics
Classification: Likely benign. Last evaluated: 2017-06-14. Review status: criteria provided, single submitter. Criteria: ACMG Guidelines, 2015. Collection method: clinical testing. Allele origin: germline.

Illumina Laboratory Services, Illumina
Classification: Likely benign for Inflammatory bowel disease 1. Last evaluated: 2017-04-27. Review status: criteria provided, single submitter. Criteria: ICSL Variant Classification Criteria 13 December 2019. Collection method: clinical testing. Allele origin: germline.
Comment: This variant was observed as part of a predisposition screen in an ostensibly healthy population. A literature search was performed for the gene, cDNA change, and amino acid change (where applicable). Publications were found based on this search. The evidence from the literature, in combination with allele frequency data from public databases where available, was sufficient to determine this variant is unlikely to cause disease. Therefore, this variant is classified as likely benign.

Illumina Laboratory Services, Illumina
Classification: Likely benign for Blau syndrome. Last evaluated: 2017-04-27. Review status: criteria provided, single submitter. Criteria: ICSL Variant Classification Criteria 13 December 2019. Collection method: clinical testing. Allele origin: germline.
Comment: This variant was observed as part of a predisposition screen in an ostensibly healthy population. A literature search was performed for the gene, cDNA change, and amino acid change (where applicable). No publications were found based on this search. Allele frequency data from public databases allowed determination this variant is unlikely to cause disease. Therefore, this variant is classified as likely benign.

Center for Genomics, Ann and Robert H. Lurie Children's Hospital of Chicago
Classification: Uncertain significance for Blau syndrome; Inflammatory bowel disease 1; Psoriatic arthritis, susceptibility to; Yao syndrome. Review status: criteria provided, single submitter. Criteria: ACMG Guidelines, 2015. Collection method: clinical testing. Allele origin: germline.
Comment: NOD2 NM_022162.2 exon 4 p.Ala755Val (c.2264C>T):This variant has been reported in the literature in several individuals with a variety of autoimmune conditions including Crohn's disease, Behcet's and Blau syndrome (also reported as p.Ala728Val-Hugot 2001 PMID:11385576, Rose 2015 PMID:25416713, Andreoletti 2017 PMID:28422189, Burillo-Sanz 2017 PMID:28814775, Batle-Maso 2020 PMID:32222431, Parakova 2020 PMID:31760574). This variant is present in 0.5% (357/68048) of European alleles including 1 homozygote in the Genome Aggregation Database. This variant is present in ClinVar, with classifications ranging from variant of uncertain significance to likely benign (Variation ID:319462). Evolutionary conservation suggests that this variant may not impact the protein; computational predictive tools suggest that this variant may impact the protein. In summary, data on this variant is insufficient for disease classification. Therefore, the clinical significance of this variant is uncertain.

PreventionGenetics, part of Exact Sciences
Classification: Likely benign for NOD2-related condition. Last evaluated: 2020-06-11. Review status: no assertion criteria provided. Collection method: clinical testing. Allele origin: germline. Not counted in ClinVar's aggregate classification.
Comment: This variant is classified as likely benign based on ACMG/AMP sequence variant interpretation guidelines (Richards et al. 2015 PMID: 25741868, with internal and published modifications).

Literature cited by the submitters: PubMed 25416713 (cited by Mayo Clinic Laboratories, Mayo Clinic); PubMed 28361096 (cited by Mayo Clinic Laboratories, Mayo Clinic); PubMed 31760574 (cited by Mayo Clinic Laboratories, Mayo Clinic); PubMed 11385576 (cited by Illumina Laboratory Services, Illumina).

NM_001370466.1(NOD2):c.2183C>T (p.Ala728Val)

Gene: NOD2 (nucleotide binding oligomerization domain containing 2; plus strand). Cytogenetic location: 16q12.1.
Variant type: single nucleotide variant.
Coding change: c.2183C>T on transcript NM_001370466.1 (MANE Select); coding-DNA position 2183, C replaced by T.
Protein change: p.Ala728Val; replaces alanine 728 with valine.
Molecular consequence: missense variant. On other transcripts: non-coding transcript variant (1).
Genome position (GRCh38, 1-based): chr16:50,712,175, C>T. VCF-style: chr16-50712175-C-T. GRCh37 (hg19) VCF-style: chr16-50746086-C-T.
Other names: c.2264C>T (LRG_177t1); c.2183C>T, p.Ala728Val (NM_001293557.2); c.2264C>T, p.Ala755Val (NM_022162.3); short protein forms A755V, A728V.
Identifiers: ClinVar variation 319462 (VCV000319462.70), dbSNP rs61747625, ClinGen allele CA8051743.